The following is an entry in ClinVar:

NM_080732.4(EGLN2):c.78G>C (p.Glu26Asp)

Genes: EGLN2 (egl-9 family hypoxia inducible factor 2; plus strand), RAB4B-EGLN2 (RAB4B-EGLN2 readthrough (NMD candidate); plus strand). Cytogenetic location: 19q13.2.
Variant type: single nucleotide variant.
Coding change: c.78G>C on transcript NM_080732.4 (MANE Select); coding-DNA position 78, G replaced by C.
Protein change: p.Glu26Asp; replaces glutamic acid 26 with aspartic acid.
Molecular consequence: missense variant. On other transcripts: non-coding transcript variant (1).
Genome position (GRCh38, 1-based): chr19:40,800,650, G>C. VCF-style: chr19-40800650-G-C. GRCh37 (hg19) VCF-style: chr19-41306555-G-C.
Other names: p.Glu26Asp; c.78G>C, p.Glu26Asp (NM_053046.4); short protein forms E26D.
Identifiers: ClinVar variation 730653 (VCV000730653.6), dbSNP rs73047080, ClinGen allele CA9452139.

ClinVar aggregate classification (germline): Benign/Likely benign. Review status: criteria provided, multiple submitters, no conflicts (2 of 4 stars). 3 submissions from 3 submitters: Benign (2); Likely benign (1). Last evaluated 2025-02-19.

Allele frequency attached by ClinVar (database versions not stated): gnomAD 0.00090 and 0.00040; gnomAD exomes 0.00142 and 0.00247; 1000 Genomes Project 30x 0.00375; ExAC 0.00280; 1000 Genomes Project 0.00399; TOPMed 0.00051; ESP Exome Variant Server 0.00062.
gnomAD v4.1: 2,227 of 1,614,020 alleles (0.14%); highest among the groups gnomAD compares: South Asian, 1.5%; 21 homozygotes.

Submissions (3):

Mayo Clinic Laboratories, Mayo Clinic
Classification: Likely benign. Last evaluated: 2025-02-19. Review status: criteria provided, single submitter. Criteria: ACMG Guidelines, 2015. Collection method: clinical testing. Allele origin: germline. Observed: 1 variant allele.
Comment: BS2, BP4_moderate

Labcorp Genetics (formerly Invitae), Labcorp
Classification: Benign. Last evaluated: 2019-12-31. Review status: criteria provided, single submitter. Criteria: Invitae Variant Classification Sherloc (09022015). Collection method: clinical testing. Allele origin: germline.

Breakthrough Genomics
Classification: Benign. Review status: criteria provided, single submitter. Criteria: ACMG Guidelines, 2015. Collection method: not provided. Allele origin: germline. Inheritance: Unknown mechanism. Affected: yes.